The following is an entry in ClinVar:

ClinVar aggregate classification (germline): Likely pathogenic (1 of 4 stars; one submission).

Conditions:
ATP2A2-related disorder. Also called: ATP2A2-related condition; ATP2A2-Related Disorders.

Submission:

PreventionGenetics, part of Exact Sciences
Classification: Likely pathogenic for ATP2A2-related condition. Last evaluated: 2023-06-28. Review status: criteria provided, single submitter. Criteria: ACMG Guidelines, 2015. Collection method: clinical testing. Allele origin: germline.
Comment: The ATP2A2 c.1484C>T variant is predicted to result in the amino acid substitution p.Ser495Leu. This variant has been reported to segregate in a father and daughter with Darier disease (Ox-F36 in Sakuntabhai et al 1999. PubMed ID: 10080178). This variant has also been reported in at least 5 additional individuals with Darier disease and likely occurred de novo in at least one case (Green EK et al 2013. PubMed ID: 23356892; Li CR et al 2014. PubMed ID: 25395934; Zhao X et al 2016. PubMed ID: 27577212). An in vitro study indicates this variant may cause decreased protein expression (Miyauchi Y et al 2006. PubMed ID: 16766529). This variant has not been reported in a large population database, indicating this variant is rare. This variant is interpreted as likely pathogenic.

NM_170665.4(ATP2A2):c.1484C>T (p.Ser495Leu)

Gene: ATP2A2 (ATPase sarcoplasmic/endoplasmic reticulum Ca2+ transporting 2; plus strand). Cytogenetic location: 12q24.11.
Variant type: single nucleotide variant.
Coding change: c.1484C>T on transcript NM_170665.4 (MANE Select); coding-DNA position 1484, C replaced by T.
Protein change: p.Ser495Leu; replaces serine 495 with leucine.
Molecular consequence: missense variant.
Genome position (GRCh38, 1-based): chr12:110,339,345, C>T. VCF-style: chr12-110339345-C-T. GRCh37 (hg19) VCF-style: chr12-110777150-C-T.
Other names: c.1379C>T, p.Ser460Leu (NM_001413013.1); c.1484C>T, p.Ser495Leu (NM_001413014.1, NM_001681.4); c.1109C>T, p.Ser370Leu (NM_001413015.1); short protein forms S370L, S460L, S495L.
Identifiers: ClinVar variation 2630147 (VCV002630147.1), dbSNP rs2548561116, ClinGen allele CA386672355.
Genomic context (GRCh38, chr12:110,339,345, plus strand): 5'-TTAAACAGCTGATGAAAAAGGAATTCACTCTAGAGTTTTCACGTGACAGAAAGTCAATGT[C>T]GGTTTACTGTACACCAAATAAACCAAGCAGGACATCAATGAGCAAGATGTTTGTGAAGGC-3'
Protein context (NP_733765.1, residues 485-505): LEFSRDRKSM[Ser495Leu]VYCTPNKPSR